The following is an entry in ClinVar:

ClinVar aggregate classification (germline): Uncertain significance (1 of 4 stars; one submission).

Conditions:
FG syndrome (FGS). Identifiers: MedGen C0220769, MONDO:0002010.

gnomAD v4.1: 1 of 1,211,059 alleles (0.000083%); highest among the groups gnomAD compares: Non-Finnish European, 0.00011%; no homozygotes.

Submission:

Labcorp Genetics (formerly Invitae), Labcorp
Classification: Uncertain significance for FG syndrome. Last evaluated: 2024-06-21. Review status: criteria provided, single submitter. Criteria: Invitae Variant Classification Sherloc (09022015). Collection method: clinical testing. Allele origin: germline.
Comment: This sequence change replaces arginine, which is basic and polar, with glutamine, which is neutral and polar, at codon 730 of the MED12 protein (p.Arg730Gln). This variant is not present in population databases (gnomAD no frequency). This variant has not been reported in the literature in individuals affected with MED12-related conditions. Advanced modeling of protein sequence and biophysical properties (such as structural, functional, and spatial information, amino acid conservation, physicochemical variation, residue mobility, and thermodynamic stability) performed at Invitae indicates that this missense variant is expected to disrupt MED12 protein function with a positive predictive value of 80%. In summary, the available evidence is currently insufficient to determine the role of this variant in disease. Therefore, it has been classified as a Variant of Uncertain Significance.

NM_005120.3(MED12):c.2189G>A (p.Arg730Gln)

Gene: MED12 (mediator complex subunit 12; plus strand). Cytogenetic location: Xq13.1.
Variant type: single nucleotide variant.
Coding change: c.2189G>A on transcript NM_005120.3 (MANE Select); coding-DNA position 2189, G replaced by A.
Protein change: p.Arg730Gln; replaces arginine 730 with glutamine.
Molecular consequence: missense variant.
Genome position (GRCh38, 1-based): chrX:71,125,109, G>A. VCF-style: chrX-71125109-G-A. GRCh37 (hg19) VCF-style: chrX-70344959-G-A.
Other names: short protein forms R730Q.
Identifiers: ClinVar variation 3634954 (VCV003634954.2).